The following is an entry in ClinVar:

NM_006648.4(WNK2):c.5354A>G (p.Lys1785Arg)

Gene: WNK2 (WNK lysine deficient protein kinase 2; plus strand). Cytogenetic location: 9q22.31.
Variant type: single nucleotide variant.
Coding change: c.5354A>G on transcript NM_006648.4 (MANE Select); coding-DNA position 5354, A replaced by G.
Protein change: p.Lys1785Arg; replaces lysine 1785 with arginine.
Molecular consequence: missense variant.
Genome position (GRCh38, 1-based): chr9:93,292,819, A>G. VCF-style: chr9-93292819-A-G. GRCh37 (hg19) VCF-style: chr9-96055101-A-G.
Other names: c.5465A>G, p.Lys1822Arg (NM_001282394.3); short protein forms K1822R, K1785R.
Identifiers: ClinVar variation 3817016 (VCV003817016.1).

ClinVar aggregate classification (germline): Uncertain significance (1 of 4 stars; one submission).

gnomAD v4.1: 2 of 1,531,910 alleles (0.00013%); highest among the groups gnomAD compares: Non-Finnish European, 0.00018%; no homozygotes.

Submission:

Ambry Genetics
Classification: Uncertain significance. Last evaluated: 2025-02-06. Review status: criteria provided, single submitter. Criteria: Ambry Variant Classification Scheme 2023. Collection method: clinical testing. Allele origin: germline.
Comment: The p.K1785R variant (also known as c.5354A>G), located in coding exon 22 of the WNK2 gene, results from an A to G substitution at nucleotide position 5354. The lysine at codon 1785 is replaced by arginine, an amino acid with highly similar properties. This amino acid position is conserved. In addition, this alteration is predicted to be tolerated by in silico analysis. Based on the available evidence, the clinical significance of this variant remains unclear.